The following is an entry in ClinVar:

NM_000368.5(TSC1):c.425T>G (p.Met142Arg)

Gene: TSC1 (TSC complex subunit 1; minus strand). Cytogenetic location: 9q34.13.
Variant type: single nucleotide variant.
Coding change: c.425T>G on transcript NM_000368.5 (MANE Select); coding-DNA position 425, T replaced by G.
Protein change: p.Met142Arg; replaces methionine 142 with arginine.
Molecular consequence: missense variant. On other transcripts: 5 prime UTR variant (5), non-coding transcript variant (5).
Genome position (GRCh38, 1-based): chr9:132,923,431, A>C on the plus strand (T>G on the coding strand, the complement: TSC1 is on the minus strand). VCF-style: chr9-132923431-A-C. GRCh37 (hg19) VCF-style: chr9-135798818-A-C.
Other names: c.-453T>G (NM_001406627.1, NM_001406628.1, NM_001406626.1); c.-595T>G (NM_001406629.1); c.-669T>G (NM_001406630.1); c.425T>G, p.Met142Arg (NM_001406598.1, NM_001406599.1, NM_001406600.1 and 16 more transcripts); c.272T>G, p.Met91Arg (NM_001162427.2, NM_001406610.1, NM_001406611.1 and 2 more transcripts); c.62T>G, p.Met21Arg (NM_001362177.2, NM_001406614.1, NM_001406615.1 and 10 more transcripts); short protein forms M142R, M21R, M91R.
Identifiers: ClinVar variation 3329432 (VCV003329432.2).

ClinVar aggregate classification (germline): Uncertain significance (1 of 4 stars; one submission).

Conditions:
Hereditary cancer-predisposing syndrome. Also called: Tumor predisposition; Hereditary Cancer Syndrome; Hereditary neoplastic syndrome; Neoplastic Syndromes, Hereditary. Identifiers: Orphanet 140162, MedGen C0027672, MeSH D009386, MONDO:0015356.

Submission:

Ambry Genetics
Classification: Uncertain significance for Hereditary cancer-predisposing syndrome. Last evaluated: 2026-08-25. Review status: criteria provided, single submitter. Criteria: Ambry Variant Classification Scheme 2023. Collection method: clinical testing. Allele origin: germline.
Comment: The p.M142R variant (also known as c.425T>G), located in coding exon 4 of the TSC1 gene, results from a T to G substitution at nucleotide position 425. The methionine at codon 142 is replaced by arginine, an amino acid with similar properties. This amino acid position is conserved. In addition, this alteration is predicted to be deleterious by in silico analysis. Based on the available evidence, the clinical significance of this variant remains unclear.